The following is an entry in ClinVar:

NM_001211.6(BUB1B):c.883T>C (p.Trp295Arg)

Gene: BUB1B (BUB1 mitotic checkpoint serine/threonine kinase B; plus strand). Cytogenetic location: 15q15.1.
Variant type: single nucleotide variant.
Coding change: c.883T>C on transcript NM_001211.6 (MANE Select); coding-DNA position 883, T replaced by C.
Protein change: p.Trp295Arg; replaces tryptophan 295 with arginine.
Molecular consequence: missense variant.
Genome position (GRCh38, 1-based): chr15:40,185,296, T>C. VCF-style: chr15-40185296-T-C. GRCh37 (hg19) VCF-style: chr15-40477497-T-C.
Other names: short protein forms W295R.
Identifiers: ClinVar variation 4600476 (VCV004600476.1).

ClinVar aggregate classification (germline): Uncertain significance (1 of 4 stars; one submission).

Conditions:
Inborn genetic diseases. Identifiers: MedGen C0950123, MeSH D030342.

Submission:

Ambry Genetics
Classification: Uncertain significance for Inborn genetic diseases. Last evaluated: 2025-10-30. Review status: criteria provided, single submitter. Criteria: Ambry Variant Classification Scheme 2023. Collection method: clinical testing. Allele origin: germline.
Comment: The p.W295R variant (also known as c.883T>C), located in coding exon 7 of the BUB1B gene, results from a T to C substitution at nucleotide position 883. The tryptophan at codon 295 is replaced by arginine, an amino acid with dissimilar properties. This amino acid position is conserved. In addition, the in silico prediction for this alteration is inconclusive. Based on the available evidence, the clinical significance of this variant remains unclear.